The following is an entry in ClinVar:

ClinVar aggregate classification (germline): Likely pathogenic (1 of 4 stars; one submission).

Conditions:
Glycine encephalopathy. Also called: Nonketotic hyperglycinemia; Non-ketotic hyperglycinemia. Identifiers: Orphanet 407, MedGen C0751748, MONDO:0011612, HP:0008288.

Submission:

Labcorp Genetics (formerly Invitae), Labcorp
Classification: Likely pathogenic for Glycine encephalopathy. Last evaluated: 2023-06-24. Review status: criteria provided, single submitter. Criteria: Invitae Variant Classification Sherloc (09022015). Collection method: clinical testing. Allele origin: germline.
Comment: This variant is not present in population databases (gnomAD no frequency). In summary, the currently available evidence indicates that the variant is pathogenic, but additional data are needed to prove that conclusively. Therefore, this variant has been classified as Likely Pathogenic. This variant disrupts the p.Arg73 amino acid residue in AMT. Other variant(s) that disrupt this residue have been determined to be pathogenic (PMID: 16450403, 27362913). This suggests that this residue is clinically significant, and that variants that disrupt this residue are likely to be disease-causing. Advanced modeling of protein sequence and biophysical properties (such as structural, functional, and spatial information, amino acid conservation, physicochemical variation, residue mobility, and thermodynamic stability) performed at Invitae indicates that this missense variant is expected to disrupt AMT protein function. This variant has not been reported in the literature in individuals affected with AMT-related conditions. This sequence change replaces arginine, which is basic and polar, with glycine, which is neutral and non-polar, at codon 73 of the AMT protein (p.Arg73Gly).

Literature cited by the submitters: PubMed 16450403; PubMed 27362913.

NM_000481.4(AMT):c.217C>G (p.Arg73Gly)

Gene: AMT (aminomethyltransferase; minus strand). Cytogenetic location: 3p21.31.
Variant type: single nucleotide variant.
Coding change: c.217C>G on transcript NM_000481.4 (MANE Select); coding-DNA position 217, C replaced by G.
Protein change: p.Arg73Gly; replaces arginine 73 with glycine.
Molecular consequence: missense variant. On other transcripts: non-coding transcript variant (1), intron variant (1).
Genome position (GRCh38, 1-based): chr3:49,422,145, G>C on the plus strand (C>G on the coding strand, the complement: AMT is on the minus strand). VCF-style: chr3-49422145-G-C. GRCh37 (hg19) VCF-style: chr3-49459578-G-C.
Other names: c.217C>G, p.Arg73Gly (NM_001164712.2, NM_001164710.2); c.90+216C>G (NM_001164711.2); short protein forms R73G.
Identifiers: ClinVar variation 2912348 (VCV002912348.3), dbSNP rs386833679, ClinGen allele CA352791098.